The following is an entry in ClinVar:

ClinVar aggregate classification (germline): Pathogenic (1 of 4 stars; one submission).

Submission:

Labcorp Genetics (formerly Invitae), Labcorp
Classification: Pathogenic. Last evaluated: 2021-01-28. Review status: criteria provided, single submitter. Criteria: Invitae Variant Classification Sherloc (09022015). Collection method: clinical testing. Allele origin: germline.
Comment: This variant is not present in population databases (ExAC no frequency). This sequence change creates a premature translational stop signal (p.Gln621Profs*25) in the COL4A3 gene. It is expected to result in an absent or disrupted protein product. This variant has not been reported in the literature in individuals with COL4A3-related conditions. For these reasons, this variant has been classified as Pathogenic. Loss-of-function variants in COL4A3 are known to be pathogenic (PMID: 8956999, 24854265, 26809805, 27281700).

Literature cited by the submitters: PubMed 8956999; PubMed 24854265; PubMed 26809805; PubMed 27281700.

NM_000091.5(COL4A3):c.1861dup (p.Gln621fs)

Genes: COL4A3 (collagen type IV alpha 3 chain; plus strand), MFF-DT (MFF divergent transcript; minus strand). Cytogenetic location: 2q36.3.
Variant type: Duplication.
Coding change: c.1861dup on transcript NM_000091.5 (MANE Select); coding-DNA position 1861, one base duplicated (C; older notation c.1861dupC).
Protein change: p.Gln621fs; shifts the reading frame from glutamine 621.
Molecular consequence: frameshift variant.
Genome position (GRCh38, 1-based): chr2:227,273,051, C duplicated; the last of 4 consecutive C bases (chr2:227,273,048-227,273,051); duplicating any one gives the same sequence. VCF-style (leftmost placement, unchanged base first): chr2-227273047-A-AC. GRCh37 (hg19) VCF-style: chr2-228137763-A-AC.
Other names: short protein forms Q621fs.
Identifiers: ClinVar variation 1075718 (VCV001075718.7), dbSNP rs2125996462, ClinGen allele CA2499215731.